The following is an entry in ClinVar:

ClinVar aggregate classification (germline): Benign. Review status: criteria provided, multiple submitters, no conflicts (2 of 4 stars). 3 submissions from 3 submitters: Benign (3). Last evaluated 2018-07-09.

Conditions:
Geleophysic dysplasia 1 (GPHYSD1). Also called: Geleophysic dwarfism. Identifiers: Orphanet 2623, MedGen C3278147, MONDO:0009269, OMIM 231050.

Allele frequency attached by ClinVar (database versions not stated): 1000 Genomes Project 30x 0.03029; 1000 Genomes Project 0.03275; TOPMed 0.05836; gnomAD 0.05963 and 0.06104.
gnomAD v4.1: 38,593 of 584,574 alleles (6.6%); highest among the groups gnomAD compares: Non-Finnish European, 9.6%; 1,758 homozygotes.

Submissions (3):

GeneDx
Classification: Benign. Last evaluated: 2018-07-09. Review status: criteria provided, single submitter. Criteria: GeneDx Variant Classification Process June 2021. Collection method: clinical testing. Allele origin: germline. Affected: yes.

Illumina Laboratory Services, Illumina
Classification: Benign for Geleophysic dysplasia 1. Last evaluated: 2018-01-12. Review status: criteria provided, single submitter. Criteria: ICSL Variant Classification Criteria 13 December 2019. Collection method: clinical testing. Allele origin: germline.
Comment: This variant was observed in the ICSL laboratory as part of a predisposition screen in an ostensibly healthy population. It had not been previously curated by ICSL or reported in the Human Gene Mutation Database (HGMD: prior to June 1st, 2018), and was therefore a candidate for classification through an automated scoring system. Utilizing variant allele frequency, disease prevalence and penetrance estimates, and inheritance mode, an automated score was calculated to assess if this variant is too frequent to cause the disease. Based on the score and internal cut-off values, a variant classified as benign is not then subjected to further curation. The score for this variant resulted in a classification of benign for this disease.

Breakthrough Genomics
Classification: Benign. Review status: criteria provided, single submitter. Criteria: ACMG Guidelines, 2015. Collection method: not provided. Allele origin: germline. Inheritance: Autosomal recessive inheritance. Affected: yes.

NM_014694.4(ADAMTSL2):c.*217G>T

Gene: ADAMTSL2 (ADAMTS like 2; plus strand). Cytogenetic location: 9q34.2.
Variant type: single nucleotide variant.
Coding change: c.*217G>T on transcript NM_014694.4 (MANE Select); 217 bases downstream of the stop codon, G replaced by T.
Molecular consequence: 3 prime UTR variant.
Genome position (GRCh38, 1-based): chr9:133,575,081, G>T. VCF-style: chr9-133575081-G-T. GRCh37 (hg19) VCF-style: chr9-136440203-G-T.
Other names: c.*217G>T (NM_001145320.2).
Identifiers: ClinVar variation 365615 (VCV000365615.9), dbSNP rs111717891, ClinGen allele CA10626752.